The following is an entry in ClinVar:

NM_001791.4(CDC42):c.335T>C (p.Leu112Pro)

Gene: CDC42 (cell division cycle 42; plus strand). Cytogenetic location: 1p36.12.
Variant type: single nucleotide variant.
Coding change: c.335T>C on transcript NM_001791.4 (MANE Select); coding-DNA position 335, T replaced by C.
Protein change: p.Leu112Pro; replaces leucine 112 with proline.
Molecular consequence: missense variant.
Genome position (GRCh38, 1-based): chr1:22,086,715, T>C. VCF-style: chr1-22086715-T-C. GRCh37 (hg19) VCF-style: chr1-22413208-T-C.
Other names: c.335T>C, p.Leu112Pro (NM_001039802.2, NM_044472.3); short protein forms L112P.
Identifiers: ClinVar variation 5038149 (VCV005038149.1).

ClinVar aggregate classification (germline): Uncertain significance (1 of 4 stars; one submission).

Conditions:
Takenouchi-Kosaki syndrome. Also called: MACROTHROMBOCYTOPENIA AND MENTAL RETARDATION SYNDROME; Macrothrombocytopenia-lymphedema-developmental delay-facial dysmorphism-camptodactyly syndrome. Identifiers: Orphanet 487796, MedGen C4225222, MONDO:0014757, OMIM 616737.

Submission:

MVZ Medizinische Genetik Mainz
Classification: Uncertain significance for Takenouchi-Kosaki syndrome. Last evaluated: 2026-09-25. Review status: criteria provided, single submitter. Criteria: UK Practice Guidelines For Variant Classification V4 01 2020. Collection method: clinical testing. Allele origin: germline. Inheritance: Autosomal dominant inheritance. Affected: yes. Observed: 1 variant allele.
Comment: ACMG Criteria: PP3_MOD,PM2_SUP,PP2